The following is an entry in ClinVar:

ClinVar aggregate classification (germline): Likely pathogenic (1 of 4 stars; one submission).

Conditions:
Ciliopathy. Also called: Ciliopathies. Identifiers: Orphanet 363250, MedGen C4277690, MONDO:0005308, MeSH D000072661.

Submission:

Myriad Genetics, Inc.
Classification: Likely pathogenic for Ciliopathy. Last evaluated: 2022-03-04. Review status: criteria provided, single submitter. Criteria: Myriad Autosomal Dominant, Autosomal Recessive and X-Linked Classification Criteria (2023). Collection method: clinical testing. Allele origin: unknown.
Comment: NM_017777.3(MKS1):c.435delC(T146Lfs*83) is expected to be pathogenic in the context of MKS1-related disorders. This variant is predicted to lead to an abnormal or absent protein product due to the creation of a premature termination codon in MKS1, a gene where loss-of-function variants are known to be pathogenic. Please note: this variant was assessed in the context of healthy population screening.

NM_017777.4(MKS1):c.435del (p.Thr146fs)

Gene: MKS1 (MKS transition zone complex subunit 1; minus strand). Cytogenetic location: 17q22.
Variant type: Deletion.
Coding change: c.435del on transcript NM_017777.4 (MANE Select); coding-DNA position 435, one base deleted (C; older notation c.435delC).
Protein change: p.Thr146fs; shifts the reading frame from threonine 146.
Molecular consequence: frameshift variant. On other transcripts: intron variant (1).
Genome position (GRCh38, 1-based): chr17:58,214,821, G deleted on the plus strand (C on the coding strand, the reverse complement: MKS1 is on the minus strand); the first of 2 consecutive G bases (chr17:58,214,821-58,214,822); deleting either gives the same sequence. VCF-style (leftmost placement, unchanged base first): chr17-58214820-TG-T. GRCh37 (hg19) VCF-style: chr17-56292181-TG-T.
Other names: c.435del, p.Thr146fs (NM_001321269.2, NM_001330397.2); c.434delC, p.Thr146Leufs (NM_001411113.1); c.-94-434del (NM_001321268.2); short protein forms T146fs.
Identifiers: ClinVar variation 1725012 (VCV001725012.3), dbSNP rs2509448738, ClinGen allele CA2580094285.